The following is an entry in ClinVar:

ClinVar aggregate classification (germline): Pathogenic/Likely pathogenic. Review status: criteria provided, multiple submitters, no conflicts (2 of 4 stars). 2 submissions from 2 submitters: Pathogenic (1); Likely pathogenic (1). Last evaluated 2024-07-31.

Conditions:
Supravalvar aortic stenosis (SVAS). Also called: Supravalvar aortic stenosis, Eisenberg type. Identifiers: Orphanet 3193, MedGen C0003499, MONDO:0008504, OMIM 185500, HP:0004381.

Submissions (2):

Labcorp Genetics (formerly Invitae), Labcorp
Classification: Pathogenic for Supravalvar aortic stenosis. Last evaluated: 2024-07-31. Review status: criteria provided, single submitter. Criteria: Invitae Variant Classification Sherloc (09022015). Collection method: clinical testing. Allele origin: germline.
Comment: This sequence change affects a donor splice site in intron 1 of the ELN gene. It is expected to disrupt RNA splicing. Variants that disrupt the donor or acceptor splice site typically lead to a loss of protein function (PMID: 16199547), and loss-of-function variants in ELN are known to be pathogenic (PMID: 11175284). This variant is not present in population databases (gnomAD no frequency). Disruption of this splice site has been observed in individuals with supravalvular aortic stenosis (Invitae). ClinVar contains an entry for this variant (Variation ID: 1067515). Algorithms developed to predict the effect of sequence changes on RNA splicing suggest that this variant may disrupt the consensus splice site. For these reasons, this variant has been classified as Pathogenic.

Molecular Genetics Department, Kulakov National Medical Research Center for Obstetrics, Gynecology and Perinatology
Classification: Likely pathogenic for Supravalvar aortic stenosis. Review status: criteria provided, single submitter. Criteria: ACMG Guidelines, 2015. Collection method: clinical testing. Allele origin: germline. Affected: yes. Observed: 1 variant allele.
Comment: A previously undescribed heterozygous nucleotide variant creates an alteration of the canonical splice site c.82+1G>A in the ELN gene. Heterozygous variants are reported in patients with supravalvar aortic stenosis, 185500. The variant is not present in population database (gnomAD no frequency). In summary, the currently available evidence indicates that the variant is pathogenic, but additional data are needed to prove that conclusively. Therefore, this variant has been classified as likely pathogenic.

Literature cited by the submitters: PubMed 16199547 (cited by Labcorp Genetics (formerly Invitae), Labcorp); PubMed 11175284 (cited by Labcorp Genetics (formerly Invitae), Labcorp).

NM_000501.4(ELN):c.82+1G>A

Gene: ELN (elastin; plus strand). Cytogenetic location: 7q11.23.
Variant type: single nucleotide variant.
Coding change: c.82+1G>A on transcript NM_000501.4 (MANE Select); the canonical splice donor site of the intron after coding-DNA position 82, G replaced by A.
Molecular consequence: splice donor variant.
Genome position (GRCh38, 1-based): chr7:74,028,270, G>A. VCF-style: chr7-74028270-G-A. GRCh37 (hg19) VCF-style: chr7-73442600-G-A.
Other names: c.82+1G>A (NM_001081754.3, NM_001081753.3, NM_001278939.2 and 9 more transcripts).
Identifiers: ClinVar variation 1067515 (VCV001067515.10), dbSNP rs2130830261, ClinGen allele CA367868764.